The following is an entry in ClinVar:

ClinVar aggregate classification (germline): Likely pathogenic (1 of 4 stars; one submission).

Submission:

GeneDx
Classification: Likely pathogenic. Last evaluated: 2017-10-19. Review status: criteria provided, single submitter. Criteria: GeneDx Variant Classification (06012015). Collection method: clinical testing. Allele origin: germline. Affected: yes.
Comment: The M519T variant has not been published as a pathogenic variant, nor has it been reported as a benign variant to our knowledge. The M519T variant is not observed in large population cohorts (Lek et al., 2016). This variant is a non-conservative amino acid substitution, which is likely to impact secondary protein structure as these residues differ in polarity, charge, size and/or other properties. This substitution occurs at a position that is conserved across species, and in silico analysis predicts this variant is probably damaging to the protein structure/function.

NM_002880.4(RAF1):c.1556T>C (p.Met519Thr)

Gene: RAF1 (Raf-1 proto-oncogene, serine/threonine kinase; minus strand). Cytogenetic location: 3p25.2.
Variant type: single nucleotide variant.
Coding change: c.1556T>C on transcript NM_002880.4 (MANE Select); coding-DNA position 1556, T replaced by C.
Protein change: p.Met519Thr; replaces methionine 519 with threonine.
Molecular consequence: missense variant. On other transcripts: non-coding transcript variant (3).
Genome position (GRCh38, 1-based): chr3:12,585,234, A>G on the plus strand (T>C on the coding strand, the complement: RAF1 is on the minus strand). VCF-style: chr3-12585234-A-G. GRCh37 (hg19) VCF-style: chr3-12626733-A-G.
Other names: c.1616T>C, p.Met539Thr (NM_001354689.3); c.1556T>C, p.Met519Thr (NM_001354690.3); c.1313T>C, p.Met438Thr (NM_001354691.3, NM_001354692.3); c.1457T>C, p.Met486Thr (NM_001354693.3); c.1373T>C, p.Met458Thr (NM_001354694.3); c.1214T>C, p.Met405Thr (NM_001354695.3); short protein forms M519T, M539T, M458T, M438T, M486T, M405T.
Identifiers: ClinVar variation 452826 (VCV000452826.2), dbSNP rs1553609996, ClinGen allele CA351497922.